The following is an entry in ClinVar:

ClinVar aggregate classification (germline): Uncertain significance (1 of 4 stars; one submission).

Conditions:
Inborn genetic diseases. Identifiers: MedGen C0950123, MeSH D030342.

gnomAD v4.1: 8 of 1,614,058 alleles (0.0005%); highest among the groups gnomAD compares: Non-Finnish European, 0.00051%; no homozygotes.

Submission:

Ambry Genetics
Classification: Uncertain significance for Inborn genetic diseases. Last evaluated: 2025-07-28. Review status: criteria provided, single submitter. Criteria: Ambry Variant Classification Scheme 2023. Collection method: clinical testing. Allele origin: germline.
Comment: The p.Y367F variant (also known as c.1100A>T), located in coding exon 9 of the FANCG gene, results from an A to T substitution at nucleotide position 1100. The tyrosine at codon 367 is replaced by phenylalanine, an amino acid with highly similar properties. This amino acid position is conserved. In addition, this alteration is predicted to be tolerated by in silico analysis. Based on the available evidence, the clinical significance of this variant remains unclear.

NM_004629.2(FANCG):c.1100A>T (p.Tyr367Phe)

Gene: FANCG (FA complementation group G; minus strand). Cytogenetic location: 9p13.3.
Variant type: single nucleotide variant.
Coding change: c.1100A>T on transcript NM_004629.2 (MANE Select); coding-DNA position 1100, A replaced by T.
Protein change: p.Tyr367Phe; replaces tyrosine 367 with phenylalanine.
Molecular consequence: missense variant.
Genome position (GRCh38, 1-based): chr9:35,076,005, T>A on the plus strand (A>T on the coding strand, the complement: FANCG is on the minus strand). VCF-style: chr9-35076005-T-A. GRCh37 (hg19) VCF-style: chr9-35076002-T-A.
Other names: short protein forms Y367F.
Identifiers: ClinVar variation 4254458 (VCV004254458.1).